The following is an entry in ClinVar:

NM_004304.5(ALK):c.4324C>T (p.Pro1442Ser)

Gene: ALK (ALK receptor tyrosine kinase; minus strand). Cytogenetic location: 2p23.2.
Variant type: single nucleotide variant.
Coding change: c.4324C>T on transcript NM_004304.5 (MANE Select); coding-DNA position 4324, C replaced by T.
Protein change: p.Pro1442Ser; replaces proline 1442 with serine.
Molecular consequence: missense variant.
Genome position (GRCh38, 1-based): chr2:29,193,763, G>A on the plus strand (C>T on the coding strand, the complement: ALK is on the minus strand). VCF-style: chr2-29193763-G-A. GRCh37 (hg19) VCF-style: chr2-29416629-G-A.
Other names: c.1120C>T, p.Pro374Ser (NM_001353765.2); short protein forms P374S, P1442S.
Identifiers: ClinVar variation 1739722 (VCV001739722.2), dbSNP rs80004824, ClinGen allele CA346462632.

ClinVar aggregate classification (germline): Uncertain significance (1 of 4 stars; one submission).

Conditions:
Hereditary cancer-predisposing syndrome. Also called: Hereditary Cancer Syndrome; Hereditary neoplastic syndrome; Neoplastic Syndromes, Hereditary; Tumor predisposition. Identifiers: Orphanet 140162, MedGen C0027672, MeSH D009386, MONDO:0015356.

Submission:

Ambry Genetics
Classification: Uncertain significance for Hereditary cancer-predisposing syndrome. Last evaluated: 2022-06-18. Review status: criteria provided, single submitter. Criteria: Ambry Variant Classification Scheme 2023. Collection method: clinical testing. Allele origin: germline.
Comment: The p.P1442S variant (also known as c.4324C>T), located in coding exon 29 of the ALK gene, results from a C to T substitution at nucleotide position 4324. The proline at codon 1442 is replaced by serine, an amino acid with similar properties. This amino acid position is conserved. In addition, this alteration is predicted to be tolerated by in silico analysis. Since supporting evidence is limited at this time, the clinical significance of this alteration remains unclear.